The following is an entry in ClinVar:

ClinVar aggregate classification (germline): Uncertain significance (1 of 4 stars; one submission).

Submission:

Labcorp Genetics (formerly Invitae), Labcorp
Classification: Uncertain significance. Last evaluated: 2022-01-19. Review status: criteria provided, single submitter. Criteria: Invitae Variant Classification Sherloc (09022015). Collection method: clinical testing. Allele origin: germline.
Comment: In summary, the available evidence is currently insufficient to determine the role of this variant in disease. Therefore, it has been classified as a Variant of Uncertain Significance. Advanced modeling of protein sequence and biophysical properties (such as structural, functional, and spatial information, amino acid conservation, physicochemical variation, residue mobility, and thermodynamic stability) performed at Invitae indicates that this missense variant is not expected to disrupt LRP2 protein function. This variant has not been reported in the literature in individuals affected with LRP2-related conditions. This variant is not present in population databases (gnomAD no frequency). This sequence change replaces aspartic acid, which is acidic and polar, with alanine, which is neutral and non-polar, at codon 2253 of the LRP2 protein (p.Asp2253Ala).

NM_004525.3(LRP2):c.6758A>C (p.Asp2253Ala)

Gene: LRP2 (LDL receptor related protein 2; minus strand). Cytogenetic location: 2q31.1.
Variant type: single nucleotide variant.
Coding change: c.6758A>C on transcript NM_004525.3 (MANE Select); coding-DNA position 6758, A replaced by C.
Protein change: p.Asp2253Ala; replaces aspartic acid 2253 with alanine.
Molecular consequence: missense variant.
Genome position (GRCh38, 1-based): chr2:169,206,962, T>G on the plus strand (A>C on the coding strand, the complement: LRP2 is on the minus strand). VCF-style: chr2-169206962-T-G. GRCh37 (hg19) VCF-style: chr2-170063472-T-G.
Other names: short protein forms D2253A.
Identifiers: ClinVar variation 2073970 (VCV002073970.4), dbSNP rs2545810253, ClinGen allele CA349172738.